The following is an entry in ClinVar:

ClinVar aggregate classification (germline): Uncertain significance (1 of 4 stars; one submission).

Submission:

Greenwood Genetic Center Diagnostic Laboratories, Greenwood Genetic Center
Classification: Uncertain significance. Last evaluated: 2024-12-19. Review status: criteria provided, single submitter. Criteria: ACMG Guidelines, 2015. Collection method: clinical testing. Allele origin: germline. Affected: yes.
Comment: PM2, BP4

NM_002637.4(PHKA1):c.2965A>G (p.Ile989Val)

Gene: PHKA1 (phosphorylase kinase regulatory subunit alpha 1; minus strand). Cytogenetic location: Xq13.1.
Variant type: single nucleotide variant.
Coding change: c.2965A>G on transcript NM_002637.4 (MANE Select); coding-DNA position 2965, A replaced by G.
Protein change: p.Ile989Val; replaces isoleucine 989 with valine.
Molecular consequence: missense variant.
Genome position (GRCh38, 1-based): chrX:72,602,226, T>C on the plus strand (A>G on the coding strand, the complement: PHKA1 is on the minus strand). VCF-style: chrX-72602226-T-C. GRCh37 (hg19) VCF-style: chrX-71822076-T-C.
Other names: c.2965A>G, p.Ile989Val (NM_001122670.2, NM_001431068.1); c.2788A>G, p.Ile930Val (NM_001172436.2); short protein forms I930V, I989V.
Identifiers: ClinVar variation 3765834 (VCV003765834.1).